The following is an entry in ClinVar:

ClinVar aggregate classification (germline): Uncertain significance (1 of 4 stars; one submission).

Conditions:
Inborn genetic diseases. Identifiers: MedGen C0950123, MeSH D030342.

Allele frequency attached by ClinVar (database versions not stated): gnomAD exomes below 0.00001.
gnomAD v4.1: 2 of 1,613,946 alleles (0.00012%); highest among the groups gnomAD compares: Non-Finnish European, 0.00017%; no homozygotes.

Submission:

Ambry Genetics
Classification: Uncertain significance for Inborn genetic diseases. Last evaluated: 2024-10-19. Review status: criteria provided, single submitter. Criteria: Ambry Variant Classification Scheme 2023. Collection method: clinical testing. Allele origin: germline.
Comment: The p.D1077G variant (also known as c.3230A>G), located in coding exon 24 of the LRRK2 gene, results from an A to G substitution at nucleotide position 3230. The aspartic acid at codon 1077 is replaced by glycine, an amino acid with similar properties. This amino acid position is conserved. In addition, this alteration is predicted to be tolerated by in silico analysis. Since supporting evidence is limited at this time, the clinical significance of this alteration remains unclear.

NM_198578.4(LRRK2):c.3230A>G (p.Asp1077Gly)

Gene: LRRK2 (leucine rich repeat kinase 2; plus strand). Cytogenetic location: 12q12.
Variant type: single nucleotide variant.
Coding change: c.3230A>G on transcript NM_198578.4 (MANE Select); coding-DNA position 3230, A replaced by G.
Protein change: p.Asp1077Gly; replaces aspartic acid 1077 with glycine.
Molecular consequence: missense variant.
Genome position (GRCh38, 1-based): chr12:40,298,376, A>G. VCF-style: chr12-40298376-A-G. GRCh37 (hg19) VCF-style: chr12-40692178-A-G.
Other names: short protein forms D1077G.
Identifiers: ClinVar variation 1729189 (VCV001729189.3), dbSNP rs1242013129, ClinGen allele CA384414703.